The following is an entry in ClinVar:

ClinVar aggregate classification (germline): Benign/Likely benign. Review status: criteria provided, multiple submitters, no conflicts (2 of 4 stars). 9 submissions from 9 submitters: Benign (5); Likely benign (1). 3 of the submissions do not count toward it. Last evaluated 2026-02-03.

Conditions:
Inborn genetic diseases. Identifiers: MedGen C0950123, MeSH D030342.
Niemann-Pick disease, type C1. Also called: NIEMANN-PICK DISEASE, VARIANT TYPE C1; NEUROVISCERAL STORAGE DISEASE WITH VERTICAL SUPRANUCLEAR OPHTHALMOPLEGIA; NIEMANN-PICK DISEASE WITH CHOLESTEROL ESTERIFICATION BLOCK; NIEMANN-PICK DISEASE WITHOUT SPHINGOMYELINASE DEFICIENCY; NIEMANN-PICK DISEASE, CHRONIC NEURONOPATHIC FORM. Identifiers: Orphanet 646, MedGen C3179455, MONDO:0009757, OMIM 257220.

Allele frequency attached by ClinVar (database versions not stated): ESP Exome Variant Server 0.00192; 1000 Genomes Project 30x 0.00265; 1000 Genomes Project 0.00280; gnomAD 0.00291 and 0.00300; TOPMed 0.00317; ExAC 0.00421.
gnomAD v4.1: 3,508 of 1,614,120 alleles (0.22%); highest among the groups gnomAD compares: Admixed American, 1.7%; 23 homozygotes.

Submissions (9):

Labcorp Genetics (formerly Invitae), Labcorp
Classification: Benign for Niemann-Pick disease, type C1. Last evaluated: 2026-02-03. Review status: criteria provided, single submitter. Criteria: Invitae Variant Classification Sherloc (09022015). Collection method: clinical testing. Allele origin: germline.

Ambry Genetics
Classification: Likely benign for Inborn genetic diseases. Last evaluated: 2022-03-03. Review status: criteria provided, single submitter. Criteria: Ambry Variant Classification Scheme 2023. Collection method: clinical testing. Allele origin: germline.

GeneDx
Classification: Benign. Last evaluated: 2021-09-01. Review status: criteria provided, single submitter. Criteria: GeneDx Variant Classification Process June 2021. Collection method: clinical testing. Allele origin: germline. Affected: yes.

Clinical Genetics DNA and cytogenetics Diagnostics Lab, Erasmus MC, Erasmus Medical Center
Classification: Benign for Niemann-Pick disease, type C1. Last evaluated: 2017-06-28. Review status: criteria provided, single submitter. Criteria: ACGS Guidelines, 2013. Collection method: clinical testing. Allele origin: germline. Affected: yes. Study: VKGL Data-share Consensus.

Illumina Laboratory Services, Illumina
Classification: Benign for Niemann-Pick disease type C1. Last evaluated: 2017-04-27. Review status: criteria provided, single submitter. Criteria: ICSL Variant Classification Criteria 13 December 2019. Collection method: clinical testing. Allele origin: germline.
Comment: This variant was observed as part of a predisposition screen in an ostensibly healthy population. A literature search was performed for the gene, cDNA change, and amino acid change (where applicable). No publications were found based on this search. Allele frequency data from public databases was too high to be consistent with this variant causing disease. Therefore, this variant is classified as benign.

Breakthrough Genomics
Classification: Benign. Review status: criteria provided, single submitter. Criteria: ACMG Guidelines, 2015. Collection method: not provided. Allele origin: germline. Inheritance: Autosomal recessive inheritance. Affected: yes.

Natera, Inc.
Classification: Benign for Niemann-Pick disease type C1. Last evaluated: 2020-09-16. Review status: no assertion criteria provided. Collection method: clinical testing. Allele origin: germline. Not counted in ClinVar's aggregate classification.

Mayo Clinic Laboratories, Mayo Clinic
Classification: Benign. Last evaluated: 2017-06-28. Review status: no assertion criteria provided. Collection method: clinical testing. Allele origin: unknown. Not counted in ClinVar's aggregate classification.

Genome Diagnostics Laboratory, Amsterdam University Medical Center
Classification: Likely benign for Niemann-Pick disease, type C1. Last evaluated: 2016-11-25. Review status: no assertion criteria provided. Criteria: ACGS Guidelines, 2013. Collection method: clinical testing. Allele origin: germline. Affected: yes. Study: VKGL Data-share Consensus. Not counted in ClinVar's aggregate classification.

NM_000271.5(NPC1):c.540C>T (p.Asp180=)

Gene: NPC1 (NPC intracellular cholesterol transporter 1; minus strand). Cytogenetic location: 18q11.2.
Variant type: single nucleotide variant.
Coding change: c.540C>T on transcript NM_000271.5 (MANE Select); coding-DNA position 540, C replaced by T.
Protein change: p.Asp180=; no amino-acid change (aspartic acid 180 retained).
Molecular consequence: synonymous variant.
Genome position (GRCh38, 1-based): chr18:23,561,451, G>A on the plus strand (C>T on the coding strand, the complement: NPC1 is on the minus strand). VCF-style: chr18-23561451-G-A. GRCh37 (hg19) VCF-style: chr18-21141415-G-A.
Identifiers: ClinVar variation 471944 (VCV000471944.26), dbSNP rs143656971, ClinGen allele CA8913712.